The following is an entry in ClinVar:

ClinVar aggregate classification (germline): VUS-high. Review status: reviewed by expert panel (3 of 4 stars). 4 submissions from 4 submitters: VUS-high (1). 3 of the submissions do not count toward it. Last evaluated 2025-08-01.

Conditions:
RYR1-related disorder. Also called: RYR1-related disorders; RYR1-related condition. Identifiers: MedGen CN239331.
Malignant hyperthermia of anesthesia. Also called: Anesthesic-triggered malignant hyperthermia. Identifiers: Orphanet 423, MedGen C0024591, MONDO:0018493, HP:0034733.

Submissions (4):

ClinGen Malignant Hyperthermia Susceptibility Variant Curation Expert Panel, ClinGen
Classification: VUS-high for Malignant hyperthermia of anesthesia. Last evaluated: 2025-08-01. Review status: reviewed by expert panel. Criteria: RYR1-MHS Interpretation Guidelines V2. Collection method: curation. Allele origin: germline. Inheritance: Autosomal dominant inheritance.
Comment: This pathogenicity assessment is relevant only for malignant hyperthermia susceptibility (MHS) inherited in an autosomal dominant pattern. Variants in RYR1 can also cause other myopathies inherited in an autosomal dominant pattern or in an autosomal recessive pattern. Some of these disorders may predispose individuals to malignant hyperthermia. RYR1 variants may also contribute to a malignant hyperthermia reaction in combination with other genetic and non-genetic factors and the clinician needs to consider such factors in making management decisions. This sequence variant predicts a substitution of leucine with proline at codon 4824 of the RYR1 protein, p.(Leu4824Pro). This variant was not present in a large population database (gnomAD) at the time this variant was interpreted. This variant has been reported in four unrelated individuals who have a personal or family history of a malignant hyperthermia reaction, all of these individuals had a positive in vitro contracture test (IVCT) or caffeine halothane contracture test (CHCT) result (if the proband was unavailable for testing, a positive diagnostic test result in a mutation-positive relative was counted), PS4_Moderate (PMID:30236257, PMID:15448513). No functional studies were identified for this variant. This variant resides in a region of RYR1 considered to be a hotspot for pathogenic variants that contribute to MHS, PM1_Supporting (PMID: 21118704). A REVEL score >0.85 (0.984) supports a pathogenic status for this variant, PP3_Moderate. This variant has been classified as a Variant of Uncertain Significance. Criteria implemented: PS4_Moderate, PM1_Supporting, PP3_Moderate.

PreventionGenetics, part of Exact Sciences
Classification: Likely pathogenic for RYR1-related condition. Last evaluated: 2025-10-08. Review status: criteria provided, single submitter. Criteria: ACMG Guidelines, 2015. Collection method: clinical testing. Allele origin: germline. Not counted in ClinVar's aggregate classification.
Comment: The RYR1 c.14471T>C variant is predicted to result in the amino acid substitution p.Leu4824Pro. This variant was reported in a family with malignant hyperthermia and/or core myopathy (Shepherd et al. 2004. PubMed ID: 14985404), United Kingdom families with malignant hyperthermia (Miller et al. 2018. PubMed ID: 30236257), and was predicted by Bayesian modeling to be likely causative (Sadhasivam et al. 2019. PubMed ID: 31559918). Functional data indicate this variant impacts protein function (Murayama et al. 2018. PubMed ID: 29674523). This variant has not been reported in a large population database (gnomAD), indicating this variant is rare. This variant is interpreted as likely pathogenic for autosomal dominant RYR1-related disorders.

Labcorp Genetics (formerly Invitae), Labcorp
Classification: Pathogenic for RYR1-related disorder. Last evaluated: 2024-12-23. Review status: criteria provided, single submitter. Criteria: Invitae Variant Classification Sherloc (09022015). Collection method: clinical testing. Allele origin: germline. Not counted in ClinVar's aggregate classification.
Comment: This sequence change replaces leucine, which is neutral and non-polar, with proline, which is neutral and non-polar, at codon 4824 of the RYR1 protein (p.Leu4824Pro). This variant is not present in population databases (gnomAD no frequency). This missense change has been observed in individuals with autosomal dominant RYR1-related conditions (PMID: 14985404; internal data). It has also been observed to segregate with disease in related individuals. ClinVar contains an entry for this variant (Variation ID: 133070). Invitae Evidence Modeling of protein sequence and biophysical properties (such as structural, functional, and spatial information, amino acid conservation, physicochemical variation, residue mobility, and thermodynamic stability) indicates that this missense variant is expected to disrupt RYR1 protein function with a positive predictive value of 80%. For these reasons, this variant has been classified as Pathogenic.

RYR1 database
No classification provided. Review status: no classification provided. Collection method: not provided. Allele origin: unknown. Not counted in ClinVar's aggregate classification.

Literature cited by the submitters: PubMed 14985404 (cited by Labcorp Genetics (formerly Invitae), Labcorp).

NM_000540.3(RYR1):c.14471T>C (p.Leu4824Pro)

Gene: RYR1 (ryanodine receptor 1; plus strand). Cytogenetic location: 19q13.2.
Variant type: single nucleotide variant.
Coding change: c.14471T>C on transcript NM_000540.3 (MANE Select); coding-DNA position 14471, T replaced by C.
Protein change: p.Leu4824Pro; replaces leucine 4824 with proline.
Molecular consequence: missense variant.
Genome position (GRCh38, 1-based): chr19:38,580,088, T>C. VCF-style: chr19-38580088-T-C. GRCh37 (hg19) VCF-style: chr19-39070728-T-C.
Other names: NM_000540.2(RYR1):c.14471T>C; NM_000540.3(RYR1):c.14471T>C; c.14456T>C, p.Leu4819Pro (NM_001042723.2); short protein forms L4824P, L4819P.
Identifiers: ClinVar variation 133070 (VCV000133070.13), dbSNP rs193922874, ClinGen allele CA024148.